The following is an entry in ClinVar:

ClinVar aggregate classification (germline): Uncertain significance (1 of 4 stars; one submission).

Conditions:
Familial cancer of breast. Also called: BREAST CANCER, FAMILIAL; hereditary breast carcinoma; Hereditary breast cancer. Identifiers: Orphanet 227535, MedGen C0346153, MONDO:0016419, OMIM 114480. Disease mechanism: loss of function.

Submission:

Labcorp Genetics (formerly Invitae), Labcorp
Classification: Uncertain significance for Familial cancer of breast. Last evaluated: 2026-01-04. Review status: criteria provided, single submitter. Criteria: Invitae Variant Classification Sherloc (09022015). Collection method: clinical testing. Allele origin: germline.
Comment: This sequence change replaces arginine, which is basic and polar, with lysine, which is basic and polar, at codon 431 of the CHEK2 protein (p.Arg431Lys). This variant is not present in population databases (gnomAD no frequency). This variant has not been reported in the literature in individuals affected with CHEK2-related conditions. An algorithm developed to predict the effect of missense changes on protein structure and function outputs the following: PolyPhen-2: "Benign". The lysine amino acid residue is found in multiple mammalian species, which suggests that this missense change does not adversely affect protein function. In summary, the available evidence is currently insufficient to determine the role of this variant in disease. Therefore, it has been classified as a Variant of Uncertain Significance.

NM_007194.4(CHEK2):c.1292G>A (p.Arg431Lys)

Gene: CHEK2 (checkpoint kinase 2; minus strand). Cytogenetic location: 22q12.1.
Variant type: single nucleotide variant.
Coding change: c.1292G>A on transcript NM_007194.4 (MANE Select); coding-DNA position 1292, G replaced by A.
Protein change: p.Arg431Lys; replaces arginine 431 with lysine.
Molecular consequence: missense variant.
Genome position (GRCh38, 1-based): chr22:28,695,210, C>T on the plus strand (G>A on the coding strand, the complement: CHEK2 is on the minus strand). VCF-style: chr22-28695210-C-T. GRCh37 (hg19) VCF-style: chr22-29091198-C-T.
Other names: c.1421G>A, p.Arg474Lys (NM_001005735.3); c.629G>A, p.Arg210Lys (NM_001257387.3, NM_001437942.1); c.1091G>A, p.Arg364Lys (NM_001349956.3); c.1385G>A, p.Arg462Lys (NM_001438293.1); c.1334G>A, p.Arg445Lys (NM_001438294.1); c.1298G>A, p.Arg433Lys (NM_001438295.1); c.1205G>A, p.Arg402Lys (NM_145862.3); short protein forms R431K, R474K, R364K, R433K, R462K, R402K, R210K, R445K.
Identifiers: ClinVar variation 4690693 (VCV004690693.1).